The following is an entry in ClinVar:

ClinVar aggregate classification (germline): Likely benign (1 of 4 stars; one submission).

Submission:

GeneDx
Classification: Likely benign. Last evaluated: 2021-05-10. Review status: criteria provided, single submitter. Criteria: GeneDx Variant Classification Process June 2021. Collection method: clinical testing. Allele origin: germline. Affected: yes.
Comment: See Variant Classification Assertion Criteria.

NM_003742.4(ABCB11):c.1197+191_1197+193del

Gene: ABCB11 (ATP binding cassette subfamily B member 11; minus strand). Cytogenetic location: 2q31.1.
Variant type: Deletion.
Coding change: c.1197+191_1197+193del on transcript NM_003742.4 (MANE Select); bases 191 to 193 of the intron after coding-DNA position 1197, 3 bases deleted (TTT; older notation c.1197+191_1197+193delTTT).
Molecular consequence: intron variant.
Genome position (GRCh38, 1-based): chr2:168,979,673-168,979,675, AAA deleted on the plus strand (TTT on the coding strand, the reverse complement: ABCB11 is on the minus strand); deleting any 3 consecutive bases within chr2:168,979,673-168,979,699 gives the same sequence; the c. name uses the placement nearest the transcript's 3' end. VCF-style (leftmost placement, unchanged base first): chr2-168979672-CAAA-C. GRCh37 (hg19) VCF-style: chr2-169836182-CAAA-C.
Identifiers: ClinVar variation 1804475 (VCV001804475.1), dbSNP rs55859131, ClinGen allele CA537527231.